The following is an entry in ClinVar:

NM_013382.7(POMT2):c.1570C>T (p.Pro524Ser)

Gene: POMT2 (protein O-mannosyltransferase 2; minus strand). Cytogenetic location: 14q24.3.
Variant type: single nucleotide variant.
Coding change: c.1570C>T on transcript NM_013382.7 (MANE Select); coding-DNA position 1570, C replaced by T.
Protein change: p.Pro524Ser; replaces proline 524 with serine.
Molecular consequence: missense variant.
Genome position (GRCh38, 1-based): chr14:77,284,956, G>A on the plus strand (C>T on the coding strand, the complement: POMT2 is on the minus strand). VCF-style: chr14-77284956-G-A. GRCh37 (hg19) VCF-style: chr14-77751299-G-A.
Other names: short protein forms P524S.
Identifiers: ClinVar variation 944235 (VCV000944235.7), dbSNP rs1421956619, ClinGen allele CA390516729.

ClinVar aggregate classification (germline): Uncertain significance (1 of 4 stars; one submission).

Conditions:
Muscular dystrophy-dystroglycanopathy (congenital with brain and eye anomalies), type A2. Also called: MUSCULAR DYSTROPHY-DYSTROGLYCANOPATHY (CONGENITAL WITH BRAIN AND EYE ANOMALIES), TYPE A, 2; WALKER-WARBURG SYNDROME OR MUSCLE-EYE-BRAIN DISEASE, POMT2-RELATED. Identifiers: Orphanet 588, Orphanet 899, MedGen C3150411, MONDO:0013154, OMIM 613150.
Muscular dystrophy-dystroglycanopathy (congenital with impaired intellectual development), type B, 2. Also called: Muscular dystrophy-dystroglycanopathy (congenital with intellectual disability), type B2; MUSCULAR DYSTROPHY, CONGENITAL, POMT2-RELATED. Identifiers: MedGen C3150416, MONDO:0013160, OMIM 613156.
Autosomal recessive limb-girdle muscular dystrophy type 2N. Also called: Muscular dystrophy-dystroglycanopathy (limb-girdle), type C, 2; MUSCULAR DYSTROPHY-DYSTROGLYCANOPATHY, LIMB-GIRDLE, POMT2-RELATED. Identifiers: Orphanet 206559, MedGen C3150418, MONDO:0013162, OMIM 613158.

Allele frequency attached by ClinVar (database versions not stated): TOPMed below 0.00001; gnomAD exomes below 0.00001.
gnomAD v4.1: 6 of 1,607,718 alleles (0.00037%); highest among the groups gnomAD compares: Non-Finnish European, 0.00051%; no homozygotes.

Submission:

Labcorp Genetics (formerly Invitae), Labcorp
Classification: Uncertain significance for Muscular dystrophy-dystroglycanopathy (congenital with impaired intellectual development), type B, 2; Muscular dystrophy-dystroglycanopathy (congenital with brain and eye anomalies), type A2; Autosomal recessive limb-girdle muscular dystrophy type 2N. Last evaluated: 2022-07-26. Review status: criteria provided, single submitter. Criteria: Invitae Variant Classification Sherloc (09022015). Collection method: clinical testing. Allele origin: germline.
Comment: This sequence change replaces proline, which is neutral and non-polar, with serine, which is neutral and polar, at codon 524 of the POMT2 protein (p.Pro524Ser). This variant is present in population databases (no rsID available, gnomAD 0.01%). This variant has not been reported in the literature in individuals affected with POMT2-related conditions. ClinVar contains an entry for this variant (Variation ID: 944235). Algorithms developed to predict the effect of missense changes on protein structure and function (SIFT, PolyPhen-2, Align-GVGD) all suggest that this variant is likely to be tolerated. In summary, the available evidence is currently insufficient to determine the role of this variant in disease. Therefore, it has been classified as a Variant of Uncertain Significance.